The following is an entry in ClinVar:

ClinVar aggregate classification (germline): Uncertain significance (1 of 4 stars; one submission).

Conditions:
Malignant hyperthermia, susceptibility to, 1 (MHS1). Also called: RYR1-Related Malignant Hyperthermia Susceptibility; Anesthesia related hyperthermia; Malignant hyperpyrexia; Fulminating hyperpyrexia; Pharmacogenic myopathy; Malignant hyperthermia suceptibility 1. Identifiers: Orphanet 423, MedGen C2930980, MONDO:0007783, OMIM 145600.

Allele frequency attached by ClinVar (database versions not stated): gnomAD exomes below 0.00001; gnomAD 0.00001; TOPMed 0.00001; 1000 Genomes Project 30x 0.00016; 1000 Genomes Project 0.00020.
gnomAD v4.1: 4 of 1,548,492 alleles (0.00026%); highest among the groups gnomAD compares: Non-Finnish European, 0.00035%; no homozygotes.

Submission:

All of Us Research Program, National Institutes of Health
Classification: Uncertain significance for Malignant hyperthermia, susceptibility to, 1. Last evaluated: 2023-12-01. Review status: criteria provided, single submitter. Criteria: ACMG Guidelines, 2015. Collection method: clinical testing. Allele origin: germline. Inheritance: Autosomal dominant inheritance. Observed: 1 variant allele, 1 heterozygote.
Comment: This study involves interpretation of variants in research participants for the purpose of population health screening. Participant phenotype was not available at the time of variant classification. Additional details can be found in publication PMID: 35346344, PMCID: PMC8962531

NM_000540.3(RYR1):c.4103A>C (p.Gln1368Pro)

Gene: RYR1 (ryanodine receptor 1; plus strand). Cytogenetic location: 19q13.2.
Variant type: single nucleotide variant.
Coding change: c.4103A>C on transcript NM_000540.3 (MANE Select); coding-DNA position 4103, A replaced by C.
Protein change: p.Gln1368Pro; replaces glutamine 1368 with proline.
Molecular consequence: missense variant.
Genome position (GRCh38, 1-based): chr19:38,473,714, A>C. VCF-style: chr19-38473714-A-C. GRCh37 (hg19) VCF-style: chr19-38964354-A-C.
Other names: c.4103A>C, p.Gln1368Pro (NM_001042723.2); short protein forms Q1368P.
Identifiers: ClinVar variation 3069288 (VCV003069288.1), dbSNP rs185821937, ClinGen allele CA308079830.